The following is an entry in ClinVar:

NM_020831.6(MRTFA):c.1994_1995insACCCGC (p.665AP[4])

Gene: MRTFA (myocardin related transcription factor A; minus strand). Cytogenetic location: 22q13.1.
Variant type: Insertion.
Coding change: c.1994_1995insACCCGC on transcript NM_020831.6 (MANE Select); coding-DNA positions 1994 to 1995, ACCCGC inserted.
Protein change: p.665AP[4].
Molecular consequence: inframe insertion.
Genome position: GRCh38 VCF-style: chr22-40418743-G-GGCGGGT. GRCh37 (hg19) VCF-style: chr22-40814747-G-GGCGGGT.
Other names: c.1994_1995insACCCGC (NM_020831.5); c.1694_1695insACCCGC, p.565AP[4] (NM_001282660.2); c.1844_1845insACCCGC, p.615AP[4] (NM_001282661.3); c.1994_1995insACCCGC, p.665AP[4] (NM_001282662.3); c.1799_1800insACCCGC, p.600AP[4] (NM_001318139.2); c.1694_1695insACCCGC (NM_020831.4).
Identifiers: ClinVar variation 1047149 (VCV001047149.36), dbSNP rs779177848, ClinGen allele CA10249480.

ClinVar aggregate classification (germline): Likely benign. Review status: criteria provided, multiple submitters, no conflicts (2 of 4 stars). 4 submissions from 4 submitters: Likely benign (3). 1 of the submissions does not count toward it. Last evaluated 2026-07-01.

Submissions (4):

CeGaT Center for Human Genetics Tuebingen
Classification: Likely benign. Last evaluated: 2026-07-01. Review status: criteria provided, single submitter. Criteria: CeGaT Center For Human Genetics Tuebingen Variant Classification Criteria Version 2. Collection method: clinical testing. Allele origin: germline. Affected: yes. Observed: 5 variant alleles.
Comment: MRTFA: BS2

Labcorp Genetics (formerly Invitae), Labcorp
Classification: Likely benign. Last evaluated: 2026-02-01. Review status: criteria provided, single submitter. Criteria: Invitae Variant Classification Sherloc (09022015). Collection method: clinical testing. Allele origin: germline.

Blueprint Genetics
Classification: Likely benign. Last evaluated: 2024-11-22. Review status: criteria provided, single submitter. Criteria: ACMG Guidelines, 2015. Collection method: clinical testing. Allele origin: germline.

Genetic Services Laboratory, University of Chicago
Classification: Likely benign. Last evaluated: 2022-06-09. Review status: no assertion criteria provided. Collection method: clinical testing. Allele origin: germline. Affected: no. Not counted in ClinVar's aggregate classification.